The following is an entry in ClinVar:

ClinVar aggregate classification (germline): Uncertain significance (1 of 4 stars; one submission).

Submission:

Labcorp Genetics (formerly Invitae), Labcorp
Classification: Uncertain significance. Last evaluated: 2023-10-06. Review status: criteria provided, single submitter. Criteria: Invitae Variant Classification Sherloc (09022015). Collection method: clinical testing. Allele origin: germline.
Comment: This sequence change replaces tyrosine, which is neutral and polar, with histidine, which is basic and polar, at codon 921 of the LONP1 protein (p.Tyr921His). This variant is not present in population databases (gnomAD no frequency). This variant has not been reported in the literature in individuals affected with LONP1-related conditions. Advanced modeling of protein sequence and biophysical properties (such as structural, functional, and spatial information, amino acid conservation, physicochemical variation, residue mobility, and thermodynamic stability) performed at Invitae indicates that this missense variant is not expected to disrupt LONP1 protein function. In summary, the available evidence is currently insufficient to determine the role of this variant in disease. Therefore, it has been classified as a Variant of Uncertain Significance.

NM_004793.4(LONP1):c.2761T>C (p.Tyr921His)

Gene: LONP1 (lon peptidase 1, mitochondrial; minus strand). Cytogenetic location: 19p13.3.
Variant type: single nucleotide variant.
Coding change: c.2761T>C on transcript NM_004793.4 (MANE Select); coding-DNA position 2761, T replaced by C.
Protein change: p.Tyr921His; replaces tyrosine 921 with histidine.
Molecular consequence: missense variant. On other transcripts: non-coding transcript variant (1).
Genome position (GRCh38, 1-based): chr19:5,692,151, A>G on the plus strand (T>C on the coding strand, the complement: LONP1 is on the minus strand). VCF-style: chr19-5692151-A-G. GRCh37 (hg19) VCF-style: chr19-5692162-A-G.
Other names: c.2569T>C, p.Tyr857His (NM_001276479.2); c.2173T>C, p.Tyr725His (NM_001276480.1); short protein forms Y857H, Y921H, Y725H.
Identifiers: ClinVar variation 2733854 (VCV002733854.3), dbSNP rs2512378690, ClinGen allele CA403525120.